The following is an entry in ClinVar:

ClinVar aggregate classification (germline): Likely benign. Review status: criteria provided, multiple submitters, no conflicts (2 of 4 stars). 3 submissions from 3 submitters: Likely benign (2). 1 of the submissions does not count toward it. Last evaluated 2026-01-21.

Conditions:
SRP54-related disorder. Also called: SRP54-related condition.

Allele frequency attached by ClinVar (database versions not stated): ExAC 0.00002; gnomAD 0.00003 and 0.00004; gnomAD exomes 0.00003 and 0.00008; TOPMed 0.00006; ESP Exome Variant Server 0.00008.
gnomAD v4.1: 122 of 1,571,876 alleles (0.0078%); highest among the groups gnomAD compares: Non-Finnish European, 0.0093%; no homozygotes.

Submissions (3):

Labcorp Genetics (formerly Invitae), Labcorp
Classification: Likely benign. Last evaluated: 2026-01-21. Review status: criteria provided, single submitter. Criteria: Invitae Variant Classification Sherloc (09022015). Collection method: clinical testing. Allele origin: germline.

Blueprint Genetics
Classification: Likely benign. Last evaluated: 2022-11-23. Review status: criteria provided, single submitter. Criteria: ACMG Guidelines, 2015. Collection method: clinical testing. Allele origin: germline.

PreventionGenetics, part of Exact Sciences
Classification: Likely benign for SRP54-related condition. Last evaluated: 2024-01-05. Review status: no assertion criteria provided. Collection method: clinical testing. Allele origin: germline. Not counted in ClinVar's aggregate classification.
Comment: This variant is classified as likely benign based on ACMG/AMP sequence variant interpretation guidelines (Richards et al. 2015 PMID: 25741868, with internal and published modifications).

NM_003136.4(SRP54):c.1423+9C>G

Gene: SRP54 (signal recognition particle 54; plus strand). Cytogenetic location: 14q13.2.
Variant type: single nucleotide variant.
Coding change: c.1423+9C>G on transcript NM_003136.4 (MANE Select); 9 bases into the intron after coding-DNA position 1423, C replaced by G.
Molecular consequence: intron variant.
Genome position (GRCh38, 1-based): chr14:35,028,192, C>G. VCF-style: chr14-35028192-C-G. GRCh37 (hg19) VCF-style: chr14-35497398-C-G.
Other names: c.1423+9C>G (NM_003136.3); c.1276+9C>G (NM_001146282.2).
Identifiers: ClinVar variation 1654892 (VCV001654892.11), dbSNP rs377169019, ClinGen allele CA7153864.